The following is an entry in ClinVar:

ClinVar aggregate classification (germline): Conflicting classifications of pathogenicity. Review status: criteria provided, conflicting classifications (1 of 4 stars). 6 submissions from 6 submitters: Uncertain significance (1); Likely benign (5). Last evaluated 2026-01-15.

Conditions:
Cardiovascular phenotype. Identifiers: MedGen CN230736.
Autosomal recessive limb-girdle muscular dystrophy type 2J (LGMDR10). Also called: Limb-girdle muscular dystrophy, type 2J; MUSCULAR DYSTROPHY, LIMB-GIRDLE, AUTOSOMAL RECESSIVE 10. Identifiers: Orphanet 140922, MedGen C1837342, MONDO:0012127, OMIM 608807.
Dilated cardiomyopathy 1G (CMD1G). Identifiers: Orphanet 154, MedGen C1858763, MONDO:0011400, OMIM 604145.

Allele frequency attached by ClinVar (database versions not stated): gnomAD 0.00001; gnomAD exomes 0.00002 and 0.00003; ExAC 0.00003; TOPMed 0.00003; ESP Exome Variant Server 0.00008.
gnomAD v4.1: 51 of 1,613,226 alleles (0.0032%); highest among the groups gnomAD compares: Non-Finnish European, 0.004%; no homozygotes.

Submissions (6):

Labcorp Genetics (formerly Invitae), Labcorp
Classification: Likely benign for Dilated cardiomyopathy 1G; Autosomal recessive limb-girdle muscular dystrophy type 2J. Last evaluated: 2026-01-15. Review status: criteria provided, single submitter. Criteria: Invitae Variant Classification Sherloc (09022015). Collection method: clinical testing. Allele origin: germline.

CeGaT Center for Human Genetics Tuebingen
Classification: Likely benign. Last evaluated: 2025-10-01. Review status: criteria provided, single submitter. Criteria: CeGaT Center For Human Genetics Tuebingen Variant Classification Criteria Version 2. Collection method: clinical testing. Allele origin: germline. Affected: yes. Observed: 1 variant allele.
Comment: TTN: BP4, BP7

Women's Health and Genetics/Laboratory Corporation of America, LabCorp
Classification: Likely benign. Last evaluated: 2025-02-13. Review status: criteria provided, single submitter. Criteria: LabCorp Variant Classification Summary - May 2015. Collection method: clinical testing. Allele origin: germline.

Blueprint Genetics
Classification: Likely benign. Last evaluated: 2024-01-11. Review status: criteria provided, single submitter. Criteria: ACMG Guidelines, 2015. Collection method: clinical testing. Allele origin: germline.

Eurofins Ntd Llc (ga)
Classification: Uncertain significance. Last evaluated: 2015-10-06. Review status: criteria provided, single submitter. Criteria: EGL Classification Definitions 2015. Collection method: clinical testing. Allele origin: germline. Observed: 2 variant alleles, 2 heterozygotes.

Ambry Genetics
Classification: Likely benign for Cardiovascular phenotype. Last evaluated: 2013-05-26. Review status: criteria provided, single submitter. Criteria: Ambry Autosomal Dominant and X-Linked criteria (10/2015). Collection method: clinical testing. Allele origin: germline. Observed: 1 variant allele.

NM_001267550.2(TTN):c.73224G>A (p.Gly24408=)

Genes: TTN (titin; minus strand), TTN-AS1 (TTN antisense RNA 1; plus strand). Cytogenetic location: 2q31.2.
Variant type: single nucleotide variant.
Coding change: c.73224G>A on transcript NM_001267550.2 (MANE Select); coding-DNA position 73224, G replaced by A.
Protein change: p.Gly24408=; no amino-acid change (glycine 24408 retained).
Molecular consequence: synonymous variant.
Genome position (GRCh38, 1-based): chr2:178,572,908, C>T on the plus strand (G>A on the coding strand, the complement: TTN is on the minus strand). VCF-style: chr2-178572908-C-T. GRCh37 (hg19) VCF-style: chr2-179437635-C-T.
Other names: c.68301G>A, p.Gly22767= (NM_001256850.1); c.46029G>A, p.Gly15343= (NM_003319.4); c.65520G>A, p.Gly21840= (NM_133378.4); c.46404G>A, p.Gly15468= (NM_133432.3); c.46605G>A, p.Gly15535= (NM_133437.4).
Identifiers: ClinVar variation 263624 (VCV000263624.31), dbSNP rs371034493, ClinGen allele CA1990401.